The following is an entry in ClinVar:

NM_025114.4(CEP290):c.4832C>T (p.Pro1611Leu)

Gene: CEP290 (centrosomal protein 290; minus strand). Cytogenetic location: 12q21.32.
Variant type: single nucleotide variant.
Coding change: c.4832C>T on transcript NM_025114.4 (MANE Select); coding-DNA position 4832, C replaced by T.
Protein change: p.Pro1611Leu; replaces proline 1611 with leucine.
Molecular consequence: missense variant.
Genome position (GRCh38, 1-based): chr12:88,083,211, G>A on the plus strand (C>T on the coding strand, the complement: CEP290 is on the minus strand). VCF-style: chr12-88083211-G-A. GRCh37 (hg19) VCF-style: chr12-88476988-G-A.
Other names: short protein forms P1611L.
Identifiers: ClinVar variation 2071433 (VCV002071433.8), dbSNP rs766917802, ClinGen allele CA6711846.

ClinVar aggregate classification (germline): Uncertain significance. Review status: criteria provided, multiple submitters, no conflicts (2 of 4 stars). 3 submissions from 3 submitters: Uncertain significance (3). Last evaluated 2026-01-24.

Conditions:
CEP290-related disorder. Also called: CEP290-related condition; CEP290-related disorders. Identifiers: MedGen CN239314.
Nephronophthisis. Also called: Juvenile Nephronophthisis. Identifiers: Orphanet 655, MedGen C0687120, MONDO:0019005, HP:0000090.
Joubert syndrome. Also called: Familial aplasia of the vermis; JOUBERT-BOLTSHAUSER SYNDROME. Identifiers: Orphanet 475, MedGen C5979921, MONDO:0018772.
Meckel-Gruber syndrome. Also called: Dysencephalia splachnocystica; DYSENCEPHALIA SPLANCHNOCYSTICA; GRUBER SYNDROME. Identifiers: Orphanet 564, MedGen C0265215, MONDO:0018921.

Allele frequency attached by ClinVar (database versions not stated): gnomAD exomes below 0.00001; gnomAD 0.00001; TOPMed 0.00001; ExAC 0.00004.
gnomAD v4.1: 4 of 1,489,104 alleles (0.00027%); highest among the groups gnomAD compares: Admixed American, 0.0082%; no homozygotes.

Submissions (3):

Labcorp Genetics (formerly Invitae), Labcorp
Classification: Uncertain significance for Joubert syndrome; Meckel-Gruber syndrome; Nephronophthisis. Last evaluated: 2026-01-24. Review status: criteria provided, single submitter. Criteria: Invitae Variant Classification Sherloc (09022015). Collection method: clinical testing. Allele origin: germline.
Comment: This sequence change replaces proline, which is neutral and non-polar, with leucine, which is neutral and non-polar, at codon 1611 of the CEP290 protein (p.Pro1611Leu). This variant is present in population databases (rs766917802, gnomAD 0.01%). This variant has not been reported in the literature in individuals affected with CEP290-related conditions. ClinVar contains an entry for this variant (Variation ID: 2071433). Invitae Evidence Modeling of protein sequence and biophysical properties (such as structural, functional, and spatial information, amino acid conservation, physicochemical variation, residue mobility, and thermodynamic stability) indicates that this missense variant is not expected to disrupt CEP290 protein function with a negative predictive value of 80%. In summary, the available evidence is currently insufficient to determine the role of this variant in disease. Therefore, it has been classified as a Variant of Uncertain Significance.

PreventionGenetics, part of Exact Sciences
Classification: Uncertain significance for CEP290-related condition. Last evaluated: 2025-06-30. Review status: criteria provided, single submitter. Criteria: ACMG Guidelines, 2015. Collection method: clinical testing. Allele origin: germline.
Comment: The CEP290 c.4832C>T variant is predicted to result in the amino acid substitution p.Pro1611Leu. To our knowledge, this variant has not been reported in the literature. This variant is reported in 0.010% of alleles in individuals of Latino descent in gnomAD. At this time, the clinical significance of this variant is uncertain due to the absence of conclusive functional and genetic evidence.

GeneDx
Classification: Uncertain significance. Last evaluated: 2025-04-10. Review status: criteria provided, single submitter. Criteria: GeneDx Variant Classification Process June 2021. Collection method: clinical testing. Allele origin: germline.
Comment: Not observed at significant frequency in large population cohorts (gnomAD); In silico analysis indicates that this missense variant does not alter protein structure/function; Has not been previously published as pathogenic or benign to our knowledge